The following is an entry in ClinVar:

NC_000001.10:g.(?_103343575)_(103388965_?)del

Gene: COL11A1 (collagen type XI alpha 1 chain; minus strand). Cytogenetic location: 1p21.1.
Variant type: Deletion.
Identifiers: ClinVar variation 3247922 (VCV003247922.1).

ClinVar aggregate classification (germline): Pathogenic (1 of 4 stars; one submission).

Submission:

Labcorp Genetics (formerly Invitae), Labcorp
Classification: Pathogenic. Last evaluated: 2023-11-12. Review status: criteria provided, single submitter. Criteria: Invitae Variant Classification Sherloc (09022015). Collection method: clinical testing. Allele origin: unknown.
Comment: This variant is a gross deletion of the genomic region encompassing exon(s) 47-67 of the COL11A1 gene, which includes the termination codon. This deletion extends beyond the assayed region for this gene and therefore may encompass additional genes. While this deletion is not anticipated to lead to nonsense mediated decay, it is expected to alter mRNA translation or result in a truncated protein product. This variant has not been reported in the literature in individuals affected with COL11A1-related conditions. This variant disrupts a region of the COL11A1 protein in which other variant(s) (p.Gly1522Asp) have been determined to be pathogenic (Invitae). This suggests that this is a clinically significant region of the protein, and that variants that disrupt it are likely to be disease-causing. For these reasons, this variant has been classified as Pathogenic.